The following is an entry in ClinVar:

NM_020975.6(RET):c.1879+1G>A

Gene: RET (ret proto-oncogene; plus strand). Cytogenetic location: 10q11.21.
Variant type: single nucleotide variant.
Coding change: c.1879+1G>A on transcript NM_020975.6 (MANE Select); the canonical splice donor site of the intron after coding-DNA position 1879, G replaced by A.
Molecular consequence: splice donor variant. On other transcripts: intron variant (2).
Genome position (GRCh38, 1-based): chr10:43,113,676, G>A. VCF-style: chr10-43113676-G-A. GRCh37 (hg19) VCF-style: chr10-43609124-G-A.
Other names: c.1879+1G>A (LRG_518t2, NM_020630.7, NM_001406743.1 and 5 more transcripts); c.1483+1G>A (NM_001406772.1, NM_001406769.1); c.1441+1G>A (NM_001406773.1, NM_001406771.1); c.982+1G>A (NM_001406782.1, NM_001406780.1, NM_001406779.1 and 2 more transcripts); c.862+713G>A (NM_001406785.1); c.1750+1G>A (NM_001406764.1, NM_001406762.1, NM_001406761.1 and 1 more transcripts); c.1354+1G>A (NM_001406774.1); c.853+1G>A (NM_001406786.1, NM_001406783.1); and 7 more.
Identifiers: ClinVar variation 666595 (VCV000666595.10), dbSNP rs1588873476, ClinGen allele CA376552871.

ClinVar aggregate classification (germline): Pathogenic/Likely pathogenic. Review status: criteria provided, multiple submitters, no conflicts (2 of 4 stars). 4 submissions from 4 submitters: Pathogenic (2); Likely pathogenic (2). Last evaluated 2023-11-02.

Conditions:
Multiple endocrine neoplasia, type 2 (MEN2). Identifiers: Orphanet 653, MedGen C4048306, MONDO:0019003. Disease mechanism: gain of function.
Hirschsprung disease, susceptibility to, 1 (HSCR1). Also called: RET-Related Hirschsprung Disease. Identifiers: Orphanet 388, MedGen C3888239, MONDO:0007723, OMIM 142623.

Submissions (4):

Labcorp Genetics (formerly Invitae), Labcorp
Classification: Likely pathogenic for Multiple endocrine neoplasia, type 2. Last evaluated: 2023-11-02. Review status: criteria provided, single submitter. Criteria: Invitae Variant Classification Sherloc (09022015). Collection method: clinical testing. Allele origin: germline.
Comment: This sequence change affects a donor splice site in intron 10 of the RET gene. It is expected to disrupt RNA splicing. Variants that disrupt the donor or acceptor splice site typically lead to a loss of protein function (PMID: 16199547), and loss-of-function variants in RET are known to be pathogenic (PMID: 22174939, 22648184). This variant is not present in population databases (gnomAD no frequency). Disruption of this splice site has been observed in individuals with Hirschsprung disease (PMID: 33433679; Invitae). ClinVar contains an entry for this variant (Variation ID: 666595). Studies have shown that disruption of this splice site is associated with altered splicing resulting in multiple RNA products (PMID: 33433679). In summary, the currently available evidence indicates that the variant is pathogenic, but additional data are needed to prove that conclusively. Therefore, this variant has been classified as Likely Pathogenic.

GeneDx
Classification: Pathogenic. Last evaluated: 2022-12-20. Review status: criteria provided, single submitter. Criteria: GeneDx Variant Classification Process June 2021. Collection method: clinical testing. Allele origin: germline. Affected: yes.
Comment: Canonical splice site variant demonstrated to result in aberrant splicing (Jiang et al., 2021); Not observed at significant frequency in large population cohorts (gnomAD); This variant is associated with the following publications: (PMID: 25525159, 14633923, 33433679, 9090527, 28433712, 22648184)

Revvity Omics, Revvity
Classification: Pathogenic. Last evaluated: 2022-11-07. Review status: criteria provided, single submitter. Criteria: ACMG Guidelines, 2015. Collection method: clinical testing. Allele origin: germline.

Equipe Genetique des Anomalies du Developpement, Université de Bourgogne
Classification: Likely pathogenic for Hirschsprung disease, susceptibility to, 1. Last evaluated: 2018-10-23. Review status: criteria provided, single submitter. Criteria: ACMG Guidelines, 2015. Collection method: clinical testing. Allele origin: de novo. Affected: yes.

Literature cited by the submitters: PubMed 16199547 (cited by Labcorp Genetics (formerly Invitae), Labcorp); PubMed 22174939 (cited by Labcorp Genetics (formerly Invitae), Labcorp); PubMed 22648184 (cited by Labcorp Genetics (formerly Invitae), Labcorp); PubMed 33433679 (cited by Labcorp Genetics (formerly Invitae), Labcorp).